The following is an entry in ClinVar:

ClinVar aggregate classification (germline): Uncertain significance (1 of 4 stars; one submission).

Conditions:
Familial thoracic aortic aneurysm and aortic dissection (TAAD). Also called: Thoracic aortic aneurysms and dissections. Identifiers: Orphanet 91387, MedGen C4707243, MONDO:0019625.

Allele frequency attached by ClinVar (database versions not stated): gnomAD exomes below 0.00001.
gnomAD v4.1: 2 of 1,613,450 alleles (0.00012%); highest among the groups gnomAD compares: Non-Finnish European, 0.00017%; no homozygotes.

Submission:

Ambry Genetics
Classification: Uncertain significance for Familial thoracic aortic aneurysm and aortic dissection. Last evaluated: 2021-08-26. Review status: criteria provided, single submitter. Criteria: Ambry Variant Classification Scheme 2023. Collection method: clinical testing. Allele origin: germline.
Comment: The p.I580T variant (also known as c.1739T>C), located in coding exon 13 of the FBN2 gene, results from a T to C substitution at nucleotide position 1739. The isoleucine at codon 580 is replaced by threonine, an amino acid with similar properties. This amino acid position is not well conserved in available vertebrate species. In addition, the in silico prediction for this alteration is inconclusive. Since supporting evidence is limited at this time, the clinical significance of this alteration remains unclear.

NM_001999.4(FBN2):c.1739T>C (p.Ile580Thr)

Gene: FBN2 (fibrillin 2; minus strand). Cytogenetic location: 5q23.3.
Variant type: single nucleotide variant.
Coding change: c.1739T>C on transcript NM_001999.4 (MANE Select); coding-DNA position 1739, T replaced by C.
Protein change: p.Ile580Thr; replaces isoleucine 580 with threonine.
Molecular consequence: missense variant.
Genome position (GRCh38, 1-based): chr5:128,377,862, A>G on the plus strand (T>C on the coding strand, the complement: FBN2 is on the minus strand). VCF-style: chr5-128377862-A-G. GRCh37 (hg19) VCF-style: chr5-127713555-A-G.
Other names: short protein forms I580T.
Identifiers: ClinVar variation 1779145 (VCV001779145.2), dbSNP rs2479387234, ClinGen allele CA360742642.
Genomic context (GRCh38, chr5:128,377,862, plus strand): 5'-CACTGGAAACTTCCATCTGTGTTCACGCATCGACCGTTTTTACAAAGAACCCCATTCTGG[A>G]TGCACTCATCAATATCTAGGAAGATTGAGAATGGCCAAACATCATTCTTTTACAATACTT-3'
Protein context (NP_001990.2, residues 570-590): KQACIDIDEC[Ile580Thr]QNGVLCKNGR